The following is an entry in ClinVar:

ClinVar aggregate classification (germline): Uncertain significance. Review status: criteria provided, multiple submitters, no conflicts (2 of 4 stars). 3 submissions from 3 submitters: Uncertain significance (3). Last evaluated 2021-09-05.

Conditions:
Charlevoix-Saguenay spastic ataxia (SACS). Also called: SPASTIC ATAXIA 6, AUTOSOMAL RECESSIVE; AUTOSOMAL RECESSIVE SPASTIC ATAXIA OF CHARLEVOIX-SAGUENAY; Spastic ataxia of Charlevoix-Saguenay. Identifiers: Orphanet 98, MedGen C1849140, MONDO:0010041, OMIM 270550.

Allele frequency attached by ClinVar (database versions not stated): gnomAD exomes below 0.00001 and 0.00001; gnomAD 0.00001; ExAC 0.00002; TOPMed 0.00002.
gnomAD v4.1: 3 of 1,613,696 alleles (0.00019%); highest among the groups gnomAD compares: African/African-American, 0.004%; no homozygotes.

Submissions (3):

Genome-Nilou Lab
Classification: Uncertain significance for Charlevoix-Saguenay spastic ataxia. Last evaluated: 2021-09-05. Review status: criteria provided, single submitter. Criteria: ACMG Guidelines, 2015. Collection method: clinical testing. Allele origin: germline. Affected: no.

GeneDx
Classification: Uncertain significance. Last evaluated: 2019-11-05. Review status: criteria provided, single submitter. Criteria: GeneDx Variant Classification Process June 2021. Collection method: clinical testing. Allele origin: germline. Affected: yes.
Comment: Not observed at a significant frequency in large population cohorts (Lek et al., 2016); In silico analysis, which includes protein predictors and evolutionary conservation, supports a deleterious effect; Has not been previously published as pathogenic or benign to our knowledge

Athena Diagnostics
Classification: Uncertain significance. Last evaluated: 2019-03-19. Review status: criteria provided, single submitter. Criteria: Athena Diagnostics Criteria. Collection method: clinical testing. Allele origin: germline.

NM_014363.6(SACS):c.8889C>A (p.Phe2963Leu)

Gene: SACS (sacsin molecular chaperone; minus strand). Cytogenetic location: 13q12.12.
Variant type: single nucleotide variant.
Coding change: c.8889C>A on transcript NM_014363.6 (MANE Select); coding-DNA position 8889, C replaced by A.
Protein change: p.Phe2963Leu; replaces phenylalanine 2963 with leucine.
Molecular consequence: missense variant.
Genome position (GRCh38, 1-based): chr13:23,334,987, G>T on the plus strand (C>A on the coding strand, the complement: SACS is on the minus strand). VCF-style: chr13-23334987-G-T. GRCh37 (hg19) VCF-style: chr13-23909126-G-T.
Other names: c.8448C>A, p.Phe2816Leu (NM_001278055.2); short protein forms F2816L, F2963L.
Identifiers: ClinVar variation 805306 (VCV000805306.5), dbSNP rs776647599, ClinGen allele CA6910701.